The following is an entry in ClinVar:

ClinVar aggregate classification (germline): Uncertain significance (1 of 4 stars; one submission).

Allele frequency attached by ClinVar (database versions not stated): gnomAD 0.00001.
gnomAD v4.1: 8 of 1,614,034 alleles (0.0005%); highest among the groups gnomAD compares: Non-Finnish European, 0.00059%; no homozygotes.

Submission:

Labcorp Genetics (formerly Invitae), Labcorp
Classification: Uncertain significance. Last evaluated: 2022-06-09. Review status: criteria provided, single submitter. Criteria: Invitae Variant Classification Sherloc (09022015). Collection method: clinical testing. Allele origin: germline.
Comment: This sequence change replaces arginine, which is basic and polar, with serine, which is neutral and polar, at codon 649 of the CAD protein (p.Arg649Ser). This variant is not present in population databases (gnomAD no frequency). This variant has not been reported in the literature in individuals affected with CAD-related conditions. Algorithms developed to predict the effect of missense changes on protein structure and function are either unavailable or do not agree on the potential impact of this missense change (SIFT: "Deleterious"; PolyPhen-2: "Probably Damaging"; Align-GVGD: "Class C0"). In summary, the available evidence is currently insufficient to determine the role of this variant in disease. Therefore, it has been classified as a Variant of Uncertain Significance.

NM_004341.5(CAD):c.1947G>C (p.Arg649Ser)

Gene: CAD (carbamoyl-phosphate synthetase 2, aspartate transcarbamylase, and dihydroorotase; plus strand). Cytogenetic location: 2p23.3.
Variant type: single nucleotide variant.
Coding change: c.1947G>C on transcript NM_004341.5 (MANE Select); coding-DNA position 1947, G replaced by C.
Protein change: p.Arg649Ser; replaces arginine 649 with serine.
Molecular consequence: missense variant. On other transcripts: intron variant (1).
Genome position (GRCh38, 1-based): chr2:27,226,235, G>C. VCF-style: chr2-27226235-G-C. GRCh37 (hg19) VCF-style: chr2-27449103-G-C.
Other names: c.1843-290G>C (NM_001306079.2); short protein forms R649S.
Identifiers: ClinVar variation 2004087 (VCV002004087.1), dbSNP rs1234222382, ClinGen allele CA346206890.